The following is an entry in ClinVar:

NM_138713.4(NFAT5):c.2790G>T (p.Gln930His)

Gene: NFAT5 (nuclear factor of activated T cells 5; plus strand). Cytogenetic location: 16q22.1.
Variant type: single nucleotide variant.
Coding change: c.2790G>T on transcript NM_138713.4 (MANE Select); coding-DNA position 2790, G replaced by T.
Protein change: p.Gln930His; replaces glutamine 930 with histidine.
Molecular consequence: missense variant.
Genome position (GRCh38, 1-based): chr16:69,692,615, G>T. VCF-style: chr16-69692615-G-T. GRCh37 (hg19) VCF-style: chr16-69726518-G-T.
Other names: c.2787G>T, p.Gln929His (NM_001113178.3); c.2115G>T, p.Gln705His (NM_001367709.1); c.2736G>T, p.Gln912His (NM_006599.4); c.2508G>T, p.Gln836His (NM_138714.4, NM_173214.3, NM_173215.3); short protein forms Q930H, Q929H, Q705H, Q836H, Q912H.
Identifiers: ClinVar variation 4728705 (VCV004728705.1).

ClinVar aggregate classification (germline): Uncertain significance (1 of 4 stars; one submission).

Conditions:
Immunodeficiency. Identifiers: MedGen C0021051, MONDO:0021094, HP:0002721.

Submission:

Labcorp Genetics (formerly Invitae), Labcorp
Classification: Uncertain significance for Immunodeficiency. Last evaluated: 2025-10-08. Review status: criteria provided, single submitter. Criteria: Invitae Variant Classification Sherloc (09022015). Collection method: clinical testing. Allele origin: germline.
Comment: This sequence change replaces glutamine, which is neutral and polar, with histidine, which is basic and polar, at codon 836 of the NFAT5 protein (p.Gln836His). This variant is not present in population databases (gnomAD no frequency). This variant has not been reported in the literature in individuals affected with NFAT5-related conditions. An algorithm developed to predict the effect of missense changes on protein structure and function (PolyPhen-2) suggests that this variant is likely to be disruptive. In summary, the available evidence is currently insufficient to determine the role of this variant in disease. Therefore, it has been classified as a Variant of Uncertain Significance.